The following is an entry in ClinVar:

NM_002241.5(KCNJ10):c.530A>G (p.Glu177Gly)

Gene: KCNJ10 (potassium inwardly rectifying channel subfamily J member 10; minus strand). Cytogenetic location: 1q23.2.
Variant type: single nucleotide variant.
Coding change: c.530A>G on transcript NM_002241.5 (MANE Select); coding-DNA position 530, A replaced by G.
Protein change: p.Glu177Gly; replaces glutamic acid 177 with glycine.
Molecular consequence: missense variant.
Genome position (GRCh38, 1-based): chr1:160,042,003, T>C on the plus strand (A>G on the coding strand, the complement: KCNJ10 is on the minus strand). VCF-style: chr1-160042003-T-C. GRCh37 (hg19) VCF-style: chr1-160011793-T-C.
Other names: p.Glu177Gly; short protein forms E177G.
Identifiers: ClinVar variation 195165 (VCV000195165.74), dbSNP rs145947380, ClinGen allele CA241460.

ClinVar aggregate classification (germline): Conflicting classifications of pathogenicity. Review status: criteria provided, conflicting classifications (1 of 4 stars). 11 submissions from 10 submitters: Uncertain significance (8); Benign (1); Likely benign (1). 1 of the submissions does not count toward it. Last evaluated 2026-09-16.

Conditions:
KCNJ10-related disorder. Also called: KCNJ10-related condition; KCNJ10-related disorders. Identifiers: MedGen CN239321.
Inborn genetic diseases. Identifiers: MedGen C0950123, MeSH D030342.
Autosomal recessive nonsyndromic hearing loss 4 (DFNB4). Also called: Nonsyndromic enlarged vestibular aqueduct (NSEVA); FOXI1-Related Pendred Syndrome; KCNJ10-Related Pendred Syndrome; DEAFNESS, AUTOSOMAL RECESSIVE 4, WITH ENLARGED VESTIBULAR AQUEDUCT, DIGENIC; NEUROSENSORY NONSYNDROMIC RECESSIVE DEAFNESS 4; Deafness, autosomal recessive 4, with enlarged vestibular aqueduct. Identifiers: Orphanet 90636, MedGen C3538946, MONDO:0010933, OMIM 600791.
EAST syndrome (SESAMES). Also called: SEIZURES, SENSORINEURAL DEAFNESS, ATAXIA, IMPAIRED INTELLECTUAL DEVELOPMENT, AND ELECTROLYTE IMBALANCE. Identifiers: Orphanet 199343, MedGen C2748572, MONDO:0013005, OMIM 612780.

Allele frequency attached by ClinVar (database versions not stated): gnomAD exomes 0.00036 and 0.00048; TOPMed 0.00037; gnomAD 0.00042 and 0.00043; ExAC 0.00046; ESP Exome Variant Server 0.00054.
gnomAD v4.1: 580 of 1,573,376 alleles (0.037%); highest among the groups gnomAD compares: Non-Finnish European, 0.033%; no homozygotes.

Submissions (11):

GeneDx
Classification: Uncertain significance. Last evaluated: 2026-09-16. Review status: criteria provided, single submitter. Criteria: GeneDx Variant Classification Process June 2021. Collection method: clinical testing. Allele origin: germline.
Comment: Identified with a pathogenic SLC26A4 variant in a patient with profound congenital sensorineural hearing loss in published literature (PMID: 40121402); In silico analysis supports that this missense variant has a deleterious effect on protein structure/function; This variant is associated with the following publications: (PMID: 40121402)

Labcorp Genetics (formerly Invitae), Labcorp
Classification: Likely benign for EAST syndrome. Last evaluated: 2026-01-24. Review status: criteria provided, single submitter. Criteria: Invitae Variant Classification Sherloc (09022015). Collection method: clinical testing. Allele origin: germline.

Mayo Clinic Laboratories, Mayo Clinic
Classification: Uncertain significance. Last evaluated: 2025-03-07. Review status: criteria provided, single submitter. Criteria: ACMG Guidelines, 2015. Collection method: clinical testing. Allele origin: germline. Observed: 1 variant allele.
Comment: PP3

Blueprint Genetics
Classification: Uncertain significance. Last evaluated: 2024-10-18. Review status: criteria provided, single submitter. Criteria: ACMG Guidelines, 2015. Collection method: clinical testing. Allele origin: germline.

Ambry Genetics
Classification: Benign for Inborn genetic diseases. Last evaluated: 2024-02-29. Review status: criteria provided, single submitter. Criteria: Ambry Variant Classification Scheme 2023. Collection method: clinical testing. Allele origin: germline.

CeGaT Center for Human Genetics Tuebingen
Classification: Uncertain significance. Last evaluated: 2019-07-01. Review status: criteria provided, single submitter. Criteria: CeGaT Center For Human Genetics Tuebingen Variant Classification Criteria Version 2. Collection method: clinical testing. Allele origin: germline. Affected: yes. Observed: 1 variant allele.

Illumina Laboratory Services, Illumina
Classification: Uncertain significance for EAST syndrome. Last evaluated: 2018-01-13. Review status: criteria provided, single submitter. Criteria: ICSL Variant Classification Criteria 13 December 2019. Collection method: clinical testing. Allele origin: germline.

Illumina Laboratory Services, Illumina
Classification: Uncertain significance for Autosomal recessive nonsyndromic hearing loss 4. Last evaluated: 2018-01-13. Review status: criteria provided, single submitter. Criteria: ICSL Variant Classification Criteria 13 December 2019. Collection method: clinical testing. Allele origin: germline.

Eurofins Ntd Llc (ga)
Classification: Uncertain significance. Last evaluated: 2014-11-10. Review status: criteria provided, single submitter. Criteria: EGL Classification Definitions 2015. Collection method: clinical testing. Allele origin: germline. Observed: 1 variant allele, 1 heterozygote.

Center for Genomics, Ann and Robert H. Lurie Children's Hospital of Chicago
Classification: Uncertain significance for Autosomal recessive nonsyndromic hearing loss 4; EAST syndrome. Review status: criteria provided, single submitter. Criteria: ACMG Guidelines, 2015. Collection method: clinical testing. Allele origin: germline.
Comment: KCNJ10 NM_002241 exon 2 p.Glu177Gly (c.530A>G): This variant has not been reported in the literature but is present in 0.7% (50/6682) of Ashkenazi Jewish alleles in the Genome Aggregation Database. This variant is present in ClinVar (Variation ID: 195165). Evolutionary conservation and computational predictive tools for this variant are unclear. In summary, data on this variant is insufficient for disease classification. Therefore, the clinical significance of this variant is uncertain.

PreventionGenetics, part of Exact Sciences
Classification: Likely benign for KCNJ10-related condition. Last evaluated: 2023-02-17. Review status: no assertion criteria provided. Collection method: clinical testing. Allele origin: germline. Not counted in ClinVar's aggregate classification.
Comment: This variant is classified as likely benign based on ACMG/AMP sequence variant interpretation guidelines (Richards et al. 2015 PMID: 25741868, with internal and published modifications).